The following is an entry in ClinVar:

ClinVar aggregate classification (germline): Pathogenic/Likely pathogenic. Review status: criteria provided, multiple submitters, no conflicts (2 of 4 stars). 8 submissions from 8 submitters: Pathogenic (2); Likely pathogenic (4). 2 of the submissions do not count toward it. Last evaluated 2025-10-09.

Conditions:
Hereditary cancer-predisposing syndrome. Also called: Tumor predisposition; Neoplastic Syndromes, Hereditary; Hereditary Cancer Syndrome; Hereditary neoplastic syndrome. Identifiers: Orphanet 140162, MedGen C0027672, MeSH D009386, MONDO:0015356.
Familial cancer of breast. Also called: Hereditary breast cancer; BREAST CANCER, FAMILIAL; hereditary breast carcinoma. Identifiers: Orphanet 227535, MedGen C0346153, MONDO:0016419, OMIM 114480. Disease mechanism: loss of function.
Ataxia-telangiectasia syndrome (AT). Also called: Ataxia telangiectasia (A-T); ATAXIA-TELANGIECTASIA, COMPLEMENTATION GROUP A; ATAXIA-TELANGIECTASIA, FRESNO VARIANT; Ataxia-telangiectasia; LOUIS-BAR SYNDROME; Cerebello-oculocutaneous telangiectasia. Identifiers: Orphanet 100, MedGen C0004135, MONDO:0008840, OMIM 208900.

Allele frequency attached by ClinVar (database versions not stated): gnomAD exomes below 0.00001; ExAC 0.00001.

Submissions (8):

Ambry Genetics
Classification: Pathogenic for Hereditary cancer-predisposing syndrome. Last evaluated: 2025-10-09. Review status: criteria provided, single submitter. Criteria: Ambry Variant Classification Scheme 2023. Collection method: clinical testing. Allele origin: germline.
Comment: The c.5177+5G>A intronic variant results from a G to A substitution 5 nucleotides after coding exon 33 in the ATM gene. This nucleotide position is highly conserved in available vertebrate species. This variant has been identified in the homozygous state and/or in conjunction with other ATM variant(s) in individual(s) who met clinical criteria for Ataxia telangiectasia (Worth PF et al. Mov Disord, 2013 Apr;28:524-8). Other variant(s) impacting the same donor site (c.5177+1G>C, c.5177+1G>A) have been shown to have a similar impact on splicing in individual(s) with features consistent with Ataxia telangiectasia (Soukupova J et al. Oncol Rep, 2008 Jun;19:1505-10; Jackson TJ et al. Dev Med Child Neurol, 2016 Jul;58:690-7; Ambry internal data). In silico splice site analysis predicts that this alteration will weaken the native splice donor site. RNA studies have demonstrated that this alteration results in abnormal splicing in the set of samples tested (Ambry internal data). This variant is considered to be rare based on population cohorts in the Genome Aggregation Database (gnomAD). Based on the supporting evidence, this variant is interpreted as a disease-causing mutation.

Fulgent Genetics
Classification: Likely pathogenic for Familial cancer of breast; Ataxia-telangiectasia syndrome. Last evaluated: 2024-05-24. Review status: criteria provided, single submitter. Criteria: ACMG Guidelines, 2015. Collection method: clinical testing. Allele origin: germline.

Baylor Genetics
Classification: Likely pathogenic for Familial cancer of breast. Last evaluated: 2021-11-24. Review status: criteria provided, single submitter. Criteria: ACMG Guidelines, 2015. Collection method: clinical testing. Allele origin: unknown.

Labcorp Genetics (formerly Invitae), Labcorp
Classification: Likely pathogenic for Ataxia-telangiectasia syndrome. Last evaluated: 2021-11-19. Review status: criteria provided, single submitter. Criteria: Invitae Variant Classification Sherloc (09022015). Collection method: clinical testing. Allele origin: germline.
Comment: In summary, the currently available evidence indicates that the variant is pathogenic, but additional data are needed to prove that conclusively. Therefore, this variant has been classified as Likely Pathogenic. Variants that disrupt the consensus splice site are a relatively common cause of aberrant splicing (PMID: 17576681, 9536098). Studies have shown that this variant results in skipping of exon 34 and introduces a premature termination codon (PMID: 23143971). The resulting mRNA is expected to undergo nonsense-mediated decay. ClinVar contains an entry for this variant (Variation ID: 557726). This variant has been observed in individual(s) with ataxia-telangiectasia and/or isolated segmental dystonia (PMID: 23143971, 33098801). In at least one individual the data is consistent with the variant being in trans (on the opposite chromosome) from a pathogenic variant. This variant is present in population databases (rs759373136, gnomAD 0.0009%). This sequence change falls in intron 34 of the ATM gene. It does not directly change the encoded amino acid sequence of the ATM protein. RNA analysis indicates that this variant induces altered splicing and may result in an absent or disrupted protein product.

Color Diagnostics, LLC DBA Color Health
Classification: Likely pathogenic for Hereditary cancer-predisposing syndrome. Last evaluated: 2020-09-25. Review status: criteria provided, single submitter. Criteria: ACMG Guidelines, 2015. Collection method: clinical testing. Allele origin: germline.
Comment: This variant causes a G to A nucleotide substitution at the +5 position of intron 34 splice donor site of the ATM gene. An RT-PCR analysis using cellular RNA derived from the proband has shown that this variant disrupts RNA splicing and causes an out-of-frame skipping of exon 34 (PMID: 23143971). There was no detectable ATM protein expression or kinase activity in the cells from the proband (PMID: 23143971). This variant has been identified in 1/250868 chromosomes in the general population by the Genome Aggregation Database (gnomAD). Loss of ATM function is a known mechanism of disease. Based on the available evidence, this variant is classified as Likely Pathogenic.

Institute of Human Genetics Munich, TUM University Hospital
Classification: Pathogenic for Ataxia-telangiectasia syndrome. Last evaluated: 2018-01-10. Review status: criteria provided, single submitter. Criteria: Classification criteria August 2017. Collection method: clinical testing. Allele origin: paternal. Inheritance: Autosomal recessive inheritance. Affected: yes. Observed: 1 compound heterozygote.

Natera, Inc.
Classification: Likely pathogenic for Ataxia-telangiectasia. Last evaluated: 2021-09-24. Review status: no assertion criteria provided. Collection method: clinical testing. Allele origin: germline. Not counted in ClinVar's aggregate classification.

Counsyl
Classification: Uncertain significance for Ataxia-telangiectasia syndrome. Last evaluated: 2018-04-05. Review status: no assertion criteria provided. Collection method: clinical testing. Allele origin: unknown. Not counted in ClinVar's aggregate classification.

Literature cited by the submitters: PubMed 18497957 (cited by Ambry Genetics); PubMed 23143971 (cited by 3 submitters); PubMed 26896183 (cited by Ambry Genetics); PubMed 17576681 (cited by Labcorp Genetics (formerly Invitae), Labcorp); PubMed 9536098 (cited by Labcorp Genetics (formerly Invitae), Labcorp); PubMed 33098801 (cited by Labcorp Genetics (formerly Invitae), Labcorp).

NM_000051.4(ATM):c.5177+5G>A

Gene: ATM (ATM serine/threonine kinase; plus strand). Cytogenetic location: 11q22.3.
Variant type: single nucleotide variant.
Coding change: c.5177+5G>A on transcript NM_000051.4 (MANE Select); 5 bases into the intron after coding-DNA position 5177, G replaced by A.
Molecular consequence: intron variant.
Genome position (GRCh38, 1-based): chr11:108,299,890, G>A. VCF-style: chr11-108299890-G-A. GRCh37 (hg19) VCF-style: chr11-108170617-G-A.
Other names: c.5177+5G>A (NM_001351834.2).
Identifiers: ClinVar variation 557726 (VCV000557726.28), dbSNP rs759373136, ClinGen allele CA6265639.